The following is an entry in ClinVar:

NM_024408.4(NOTCH2):c.5930-2A>G

Gene: NOTCH2 (notch receptor 2; minus strand). Cytogenetic location: 1p12.
Variant type: single nucleotide variant.
Coding change: c.5930-2A>G on transcript NM_024408.4 (MANE Select); the canonical splice acceptor site of the intron before coding-DNA position 5930, A replaced by G.
Molecular consequence: splice acceptor variant.
Genome position (GRCh38, 1-based): chr1:119,917,764, T>C on the plus strand (A>G on the coding strand, the complement: NOTCH2 is on the minus strand). VCF-style: chr1-119917764-T-C. GRCh37 (hg19) VCF-style: chr1-120460387-T-C.
Identifiers: ClinVar variation 1703257 (VCV001703257.2), dbSNP rs2526112913, ClinGen allele CA341882147.

ClinVar aggregate classification (germline): Pathogenic (0 of 4 stars; one submission).

Conditions:
Alagille syndrome due to a NOTCH2 point mutation. Also called: Alagille syndrome 2. Identifiers: Orphanet 261629, Orphanet 52, MedGen C1857761, MONDO:0012439, OMIM 610205.

Submission:

Department of Medical and Molecular Genetics, Dongguan Institute of Pediatrics
Classification: Pathogenic for Alagille syndrome due to a NOTCH2 point mutation. Last evaluated: 2022-08-25. Review status: no assertion criteria provided. Collection method: clinical testing. Allele origin: de novo. Inheritance: Autosomal dominant inheritance. Affected: yes. Observed: 1 heterozygote.
Comment: The mutation is a null variant (intronic within ±2 of splice site) in gene NOTCH2. Transcriptome sequencing verifies the splice site change at the RNA level caused by the variant, confirming that the c.5930-2A > G variant could lead to the skipping of exon 33, thereby leading to an alteration in NOTCH2 mRNA splicing. Loss-of-function is a known mechanism of disease, associated with Acroosteolysis Dominant Type, Alagille Syndrome, and Alagille Syndrome due to a NOTCH2 Point Mutation. The mutation position is strongly conserved (phyloP100way = 7.7 is greater than 7.2), and this variant is absent from Exome Sequencing Project, 1000 Genomes Project, or Exome Aggregation Consortium. In summary, the variant meets our criteria to be classified as pathogenic.